The following is an entry in ClinVar:

NM_001258392.3(CLPB):c.1159C>T (p.Arg387Ter)

Genes: CLPB (ClpB family mitochondrial disaggregase; minus strand), LOC126861258 (MED14-independent group 3 enhancer GRCh37_chr11:72012242-72013441; plus strand). Cytogenetic location: 11q13.4.
Variant type: single nucleotide variant.
Coding change: c.1159C>T on transcript NM_001258392.3 (MANE Select); coding-DNA position 1159, C replaced by T.
Protein change: p.Arg387Ter; replaces arginine 387 with a stop codon.
Molecular consequence: nonsense.
Genome position (GRCh38, 1-based): chr11:72,302,312, G>A on the plus strand (C>T on the coding strand, the complement: CLPB is on the minus strand). VCF-style: chr11-72302312-G-A. GRCh37 (hg19) VCF-style: chr11-72013356-G-A.
Other names: c.1072C>T, p.Arg358Ter (NM_001258393.3); c.1114C>T, p.Arg372Ter (NM_001258394.3); c.1249C>T, p.Arg417Ter (NM_030813.6); short protein forms R417*, R387*, R358*, R372*.
Identifiers: ClinVar variation 187786 (VCV000187786.50), dbSNP rs200203460, ClinGen allele CA198530.

ClinVar aggregate classification (germline): Pathogenic. Review status: criteria provided, multiple submitters, no conflicts (2 of 4 stars). 12 submissions from 12 submitters: Pathogenic (9). 3 of the submissions do not count toward it. Last evaluated 2026-08-31.

Conditions:
3-methylglutaconic aciduria, type VIIA. Also called: 3-METHYLGLUTACONIC ACIDURIA WITH NEUROLOGIC INVOLVEMENT AND NEUTROPENIA, AUTOSOMAL DOMINANT. Identifiers: MedGen C5676967, MONDO:0859237, OMIM 619835.
Neutropenia, severe congenital, 9, autosomal dominant. Identifiers: MedGen C5676954, MONDO:0030726, OMIM 619813.
3-methylglutaconic aciduria, type VIIB (MGCA7B). Also called: CLPB Deficiency; 3-methylglutaconic aciduria with cataracts, neurologic involvement and neutropenia; 3-methylglutaconic aciduria, type VII, with cataracts, neurologic involvement and neutropenia. Identifiers: Orphanet 445038, MedGen C5676893, MONDO:0014561, OMIM 616271.
CLPB-related disorder. Also called: CLPB-related condition.
Premature menopause. Identifiers: MedGen C0025322, MONDO:0001119.
Decreased total neutrophil count. Also called: Neutropenia. Identifiers: MedGen C0853697, MONDO:0001475, HP:0001875.

Allele frequency attached by ClinVar (database versions not stated): TOPMed 0.00002; ExAC 0.00003; gnomAD exomes 0.00003.
gnomAD v4.1: 129 of 1,613,988 alleles (0.008%); highest among the groups gnomAD compares: Non-Finnish European, 0.011%; no homozygotes.

Submissions (12):

PreventionGenetics, part of Exact Sciences
Classification: Pathogenic for CLPB-related condition. Last evaluated: 2026-08-31. Review status: criteria provided, single submitter. Criteria: ACMG Guidelines, 2015. Collection method: clinical testing. Allele origin: germline.
Comment: The CLPB c.1249C>T variant is predicted to result in premature protein termination (p.Arg417*). This variant has been reported in the compound heterozygous state in many individuals with neurodevelopmental disorders (see for example Soden et al. 2014. PubMed ID: 25473036; Bowling et al. 2017. PubMed ID: 28554332). This variant is reported in 0.0062% of alleles in individuals of African descent in gnomAD and is reported as pathogenic in ClinVar (Variation ID: 187786). Nonsense variants in CLPB are expected to be pathogenic. This variant is interpreted as pathogenic.

OLLIN Analises Genomicas, OLLIN
Classification: Pathogenic for 3-methylglutaconic aciduria, type VIIA. Last evaluated: 2026-08-06. Review status: criteria provided, single submitter. Criteria: ACMG Guidelines 2015 PMID 25741868. Collection method: clinical testing. Allele origin: germline. Inheritance: Autosomal dominant inheritance.
Comment: This nonsense variant, located in exon 10 (of 16), has been reported in ClinVar (accession VCV000187786.48), in gnomAD with an allele frequency of 0.008%, and in the scientific literature, segregating with the phenotype and in compound heterozygosity, in individuals with CLPB related disorders (PMID: 27290639). This variant introduces a premature stop codon, which is predicted to result in either a truncated protein or degradation of the mRNA via nonsense-mediated decay (NMD). According to the currently available evidence, this variant has been classified as pathogenic (PVS1, PM3, PP1).

GeneDx
Classification: Pathogenic. Last evaluated: 2025-12-04. Review status: criteria provided, single submitter. Criteria: GeneDx Variant Classification Process June 2021. Collection method: clinical testing. Allele origin: germline. Affected: yes.
Comment: Nonsense variant predicted to result in protein truncation or nonsense mediated decay in a gene for which loss of function is a known mechanism of disease; This variant is associated with the following publications: (PMID: 28554332, 25473036, 28687938, 33517393, 31345219, 27290639, 25597511, 25597510, 34782754, 36074910)

Labcorp Genetics (formerly Invitae), Labcorp
Classification: Pathogenic for 3-methylglutaconic aciduria, type VIIB. Last evaluated: 2025-11-10. Review status: criteria provided, single submitter. Criteria: Invitae Variant Classification Sherloc (09022015). Collection method: clinical testing. Allele origin: germline.
Comment: This sequence change creates a premature translational stop signal (p.Arg417*) in the CLPB gene. It is expected to result in an absent or disrupted protein product. Loss-of-function variants in CLPB are known to be pathogenic (PMID: 25597510, 28687938). This variant is present in population databases (rs200203460, gnomAD 0.007%). This premature translational stop signal has been observed in individuals with 3-methylglutaconic aciduria (PMID: 25597510, 25597511, 27290639, 28687938). It has also been observed to segregate with disease in related individuals. ClinVar contains an entry for this variant (Variation ID: 187786). For these reasons, this variant has been classified as Pathogenic.

Blueprint Genetics
Classification: Pathogenic for CLPB-related disorders. Last evaluated: 2023-05-19. Review status: criteria provided, single submitter. Criteria: ACMG Guidelines, 2015. Collection method: clinical testing. Allele origin: germline. Affected: yes. Observed: 2 variant alleles.

Fulgent Genetics
Classification: Pathogenic for 3-methylglutaconic aciduria, type VIIB; Neutropenia, severe congenital, 9, autosomal dominant; 3-methylglutaconic aciduria, type VIIA. Last evaluated: 2022-04-25. Review status: criteria provided, single submitter. Criteria: ACMG Guidelines, 2015. Collection method: clinical testing. Allele origin: unknown.

Equipe Genetique des Anomalies du Developpement, Université de Bourgogne
Classification: Pathogenic for 3-methylglutaconic aciduria, type VIIB. Last evaluated: 2021-07-15. Review status: criteria provided, single submitter. Criteria: ACMG Guidelines, 2015. Collection method: clinical testing. Allele origin: paternal. Observed: 1 variant allele.

Revvity Omics, Revvity
Classification: Pathogenic. Last evaluated: 2019-09-12. Review status: criteria provided, single submitter. Criteria: ACMG Guidelines, 2015. Collection method: clinical testing. Allele origin: germline.

HudsonAlpha Institute for Biotechnology
Classification: Pathogenic for 3-methylglutaconic aciduria, type VIIB. Last evaluated: 2015-09-04. Review status: criteria provided, single submitter. Criteria: HA_assertions_20161101. Collection method: research. Allele origin: maternal. Affected: yes. Observed: 1 variant allele. Study: CSER-HudsonAlpha.

Reproductive Development, Murdoch Childrens Research Institute
Classification: Pathogenic for Decreased total neutrophil count; Premature ovarian insufficiency. Last evaluated: 2022-05-22. Review status: no assertion criteria provided. Collection method: research. Allele origin: paternal. Affected: yes. Not counted in ClinVar's aggregate classification.

OMIM
Classification: Pathogenic for 3-METHYLGLUTACONIC ACIDURIA, TYPE VIIB. Last evaluated: 2015-02-05. Review status: no assertion criteria provided. Collection method: literature only. Allele origin: germline. Not counted in ClinVar's aggregate classification.

GeneReviews
No classification provided. Condition: 3-methylglutaconic aciduria, type VIIB. Review status: no classification provided. Collection method: literature only. Allele origin: germline. Affected: yes. Not counted in ClinVar's aggregate classification.

Literature cited by the submitters: PubMed 27290639 (cited by OLLIN Analises Genomicas, OLLIN and Labcorp Genetics (formerly Invitae), Labcorp); PubMed 25597510 (cited by 3 submitters); PubMed 28687938 (cited by Labcorp Genetics (formerly Invitae), Labcorp); PubMed 25597511 (cited by 3 submitters); PubMed 27891836 (cited by Equipe Genetique des Anomalies du Developpement, Université de Bourgogne); PubMed 34782754 (cited by Equipe Genetique des Anomalies du Developpement, Université de Bourgogne); NCBI Bookshelf NBK396257 (cited by GeneReviews).